The following is an entry in ClinVar:

NM_020366.4(RPGRIP1):c.2594T>C (p.Leu865Pro)

Gene: RPGRIP1 (RPGR interacting protein 1; plus strand). Cytogenetic location: 14q11.2.
Variant type: single nucleotide variant.
Coding change: c.2594T>C on transcript NM_020366.4 (MANE Select); coding-DNA position 2594, T replaced by C.
Protein change: p.Leu865Pro; replaces leucine 865 with proline.
Molecular consequence: missense variant. On other transcripts: intron variant (4).
Genome position (GRCh38, 1-based): chr14:21,326,057, T>C. VCF-style: chr14-21326057-T-C. GRCh37 (hg19) VCF-style: chr14-21794216-T-C.
Other names: c.1520T>C, p.Leu507Pro (NM_001377948.1); c.796+1332T>C (NM_001377949.1); c.689-1566T>C (NM_001377523.1, NM_001377950.1); c.191-1566T>C (NM_001377951.1); short protein forms L507P, L865P.
Identifiers: ClinVar variation 1016484 (VCV001016484.8), dbSNP rs1883066106, ClinGen allele CA388869415.
Genomic context (GRCh38, chr14:21,326,057, plus strand): 5'-CCTACTTTAGAGACCAGGCTCGATTCCCAGTGCTTGTGACCTCTGACCTGGACCATTATC[T>C]GAGACGGGAGGCCTTGTCTATACATGTTTTTGATGATGAAGACTTAGAGCCTGGCTCGTA-3'
Protein context (NP_065099.3, residues 855-875): VLVTSDLDHY[Leu865Pro]RREALSIHVF

ClinVar aggregate classification (germline): Uncertain significance (1 of 4 stars; one submission).

Conditions:
Leber congenital amaurosis 6 (LCA6). Identifiers: Orphanet 65, MedGen C1854260, MONDO:0013446, OMIM 613826.
Cone-rod dystrophy 13 (CORD13). Identifiers: Orphanet 1872, MedGen C2750720, MONDO:0011987, OMIM 608194.

Submission:

Labcorp Genetics (formerly Invitae), Labcorp
Classification: Uncertain significance for Leber congenital amaurosis 6; Cone-rod dystrophy 13. Last evaluated: 2022-06-13. Review status: criteria provided, single submitter. Criteria: Invitae Variant Classification Sherloc (09022015). Collection method: clinical testing. Allele origin: germline.
Comment: In summary, the available evidence is currently insufficient to determine the role of this variant in disease. Therefore, it has been classified as a Variant of Uncertain Significance. Algorithms developed to predict the effect of missense changes on protein structure and function (SIFT, PolyPhen-2, Align-GVGD) all suggest that this variant is likely to be disruptive. ClinVar contains an entry for this variant (Variation ID: 1016484). This variant has not been reported in the literature in individuals affected with RPGRIP1-related conditions. This variant is not present in population databases (gnomAD no frequency). This sequence change replaces leucine, which is neutral and non-polar, with proline, which is neutral and non-polar, at codon 865 of the RPGRIP1 protein (p.Leu865Pro).